The following is an entry in ClinVar:

ClinVar aggregate classification (germline): Uncertain significance (1 of 4 stars; one submission).

Submission:

Labcorp Genetics (formerly Invitae), Labcorp
Classification: Uncertain significance. Last evaluated: 2020-08-01. Review status: criteria provided, single submitter. Criteria: Invitae Variant Classification Sherloc (09022015). Collection method: clinical testing. Allele origin: germline.
Comment: In summary, the available evidence is currently insufficient to determine the role of this variant in disease. Therefore, it has been classified as a Variant of Uncertain Significance. Algorithms developed to predict the effect of sequence changes on RNA splicing suggest that this variant may create or strengthen a splice site, but this prediction has not been confirmed by published transcriptional studies. This variant has been observed in individual(s) with clinical features of dystonia (Invitae). This variant is not present in population databases (ExAC no frequency). This variant, c.4973_4974insTGTGTG, results in the insertion of 2 amino acid(s) to the KMT2B protein (p.Cys1658_Leu1659insValCys), but otherwise preserves the integrity of the reading frame.

NM_014727.3(KMT2B):c.4973_4974insTGTGTG (p.Cys1658_Leu1659insValCys)

Gene: KMT2B (lysine methyltransferase 2B; plus strand). Cytogenetic location: 19q13.12.
Variant type: Microsatellite.
Coding change: c.4973_4974insTGTGTG on transcript NM_014727.3 (MANE Select); coding-DNA positions 4973 to 4974, TGTGTG inserted.
Protein change: p.Cys1658_Leu1659insValCys.
Molecular consequence: inframe insertion.
Genome position: GRCh38 VCF-style: chr19-35730020-C-CTGTGTG. GRCh37 (hg19) VCF-style: chr19-36220921-C-CTGTGTG.
Identifiers: ClinVar variation 1045107 (VCV001045107.8), dbSNP rs1969630449, ClinGen allele CA2333793093.
Genomic context (GRCh38, chr19:35,730,020, plus strand): 5'-TACGCAGCGCTGCGAGCTCTGCCTGAAGCCTGGCGCCACGGTGGGCTGCTGCCTGTCCTC[C>CTGTGTG]TGCCTCAGCAACTTCCACTTCATGTGTGCCCGGGCCAGCTACTGCATCTTCCAGGATGAC-3'